The following is an entry in ClinVar:

NM_000094.4(COL7A1):c.3975+1G>T

Gene: COL7A1 (collagen type VII alpha 1 chain; minus strand). Cytogenetic location: 3p21.31.
Variant type: single nucleotide variant.
Coding change: c.3975+1G>T on transcript NM_000094.4 (MANE Select); the canonical splice donor site of the intron after coding-DNA position 3975, G replaced by T.
Molecular consequence: splice donor variant.
Genome position (GRCh38, 1-based): chr3:48,585,035, C>A on the plus strand (G>T on the coding strand, the complement: COL7A1 is on the minus strand). VCF-style: chr3-48585035-C-A. GRCh37 (hg19) VCF-style: chr3-48622468-C-A.
Identifiers: ClinVar variation 2108563 (VCV002108563.4), dbSNP rs1560245772, ClinGen allele CA352697595.
Genomic context (GRCh38, chr3:48,585,035, plus strand): 5'-CGGAGCCACCCCACCCACTCAGGCAGCGCCCACCCTGACCTGCAGGACAAGGCTTGCTCA[C>A]CTTTAGGCCAGGGGCTCCAGGGGTCCCAGGATTCCCGGCGCGGCCAGGGCTGCCTGGACG-3'

ClinVar aggregate classification (germline): Likely pathogenic (1 of 4 stars; one submission).

Submission:

Labcorp Genetics (formerly Invitae), Labcorp
Classification: Likely pathogenic. Last evaluated: 2023-09-21. Review status: criteria provided, single submitter. Criteria: Invitae Variant Classification Sherloc (09022015). Collection method: clinical testing. Allele origin: germline.
Comment: In summary, the currently available evidence indicates that the variant is pathogenic, but additional data are needed to prove that conclusively. Therefore, this variant has been classified as Likely Pathogenic. Algorithms developed to predict the effect of sequence changes on RNA splicing suggest that this variant may disrupt the consensus splice site. ClinVar contains an entry for this variant (Variation ID: 2108563). This variant has not been reported in the literature in individuals affected with COL7A1-related conditions. This variant is not present in population databases (gnomAD no frequency). It is expected to disrupt splicing. Variants that disrupt the donor or acceptor splice site typically lead to a loss of protein function (PMID: 16199547), and loss-of-function variants in COL7A1 are known to be disease-causing for autosomal recessive dystrophic epidermolysis bullosa (PMID: 16971478). However, certain variants affecting donor or acceptor splice sites in the triple helical domain of COL7A1 are expected to result in in-frame exon skipping and have been reported to cause autosomal dominant dystrophic epidermolysis bullosa (PMID: 31670143).

Literature cited by the submitters: PubMed 16199547; PubMed 16971478; PubMed 31670143.